The following is an entry in ClinVar:

NM_001358530.2(MOCS1):c.268G>T (p.Glu90Ter)

Gene: MOCS1 (molybdenum cofactor synthesis 1; minus strand). Cytogenetic location: 6p21.2.
Variant type: single nucleotide variant.
Coding change: c.268G>T on transcript NM_001358530.2 (MANE Select); coding-DNA position 268, G replaced by T.
Protein change: p.Glu90Ter; replaces glutamic acid 90 with a stop codon.
Molecular consequence: nonsense. On other transcripts: non-coding transcript variant (1).
Genome position (GRCh38, 1-based): chr6:39,925,828, C>A on the plus strand (G>T on the coding strand, the complement: MOCS1 is on the minus strand). VCF-style: chr6-39925828-C-A. GRCh37 (hg19) VCF-style: chr6-39893572-C-A.
Other names: c.268G>T, p.Glu90Ter (NM_001075098.4, NM_001358529.2, NM_005943.6); c.7G>T, p.Glu3Ter (NM_001358531.2, NM_001358533.2, NM_001358534.2); short protein forms E3*, E90*.
Identifiers: ClinVar variation 1453244 (VCV001453244.6), dbSNP rs147580725, ClinGen allele CA3796360.

ClinVar aggregate classification (germline): Pathogenic (1 of 4 stars; one submission).

Conditions:
Sulfite oxidase deficiency due to molybdenum cofactor deficiency type A. Also called: Molybdenum Cofactor Deficiency A; Molybdenum cofactor deficiency, complementation group A. Identifiers: Orphanet 308386, Orphanet 833, MedGen C1854988, MONDO:0009643, OMIM 252150.

Allele frequency attached by ClinVar (database versions not stated): ESP Exome Variant Server 0.00008.

Submission:

Labcorp Genetics (formerly Invitae), Labcorp
Classification: Pathogenic for Sulfite oxidase deficiency due to molybdenum cofactor deficiency type A. Last evaluated: 2023-09-27. Review status: criteria provided, single submitter. Criteria: Invitae Variant Classification Sherloc (09022015). Collection method: clinical testing. Allele origin: germline.
Comment: For these reasons, this variant has been classified as Pathogenic. ClinVar contains an entry for this variant (Variation ID: 1453244). This variant has not been reported in the literature in individuals affected with MOCS1-related conditions. This variant is present in population databases (rs147580725, gnomAD 0.007%). This sequence change creates a premature translational stop signal (p.Glu90*) in the MOCS1 gene. It is expected to result in an absent or disrupted protein product. Loss-of-function variants in MOCS1 are known to be pathogenic (PMID: 12754701, 16021469).

Literature cited by the submitters: PubMed 12754701; PubMed 16021469.